The following is an entry in ClinVar:

NM_000388.4(CASR):c.437G>A (p.Gly146Asp)

Gene: CASR (calcium sensing receptor; plus strand). Cytogenetic location: 3q21.1.
Variant type: single nucleotide variant.
Coding change: c.437G>A on transcript NM_000388.4 (MANE Select); coding-DNA position 437, G replaced by A.
Protein change: p.Gly146Asp; replaces glycine 146 with aspartic acid.
Molecular consequence: missense variant.
Genome position (GRCh38, 1-based): chr3:122,257,332, G>A. VCF-style: chr3-122257332-G-A. GRCh37 (hg19) VCF-style: chr3-121976179-G-A.
Other names: c.437G>A, p.Gly146Asp (NM_001178065.2); short protein forms G146D.
Identifiers: ClinVar variation 1448101 (VCV001448101.8), dbSNP rs2107627807, ClinGen allele CA354362897.
Genomic context (GRCh38, chr3:122,257,332, plus strand): 5'-ATGAGTTCTGCAACTGCTCAGAGCACATTCCCTCTACGATTGCTGTGGTGGGAGCAACTG[G>A]CTCAGGCGTCTCCACGGCAGTGGCAAATCTGCTGGGGCTCTTCTACATTCCCCAGGTACT-3'
Protein context (NP_000379.3, residues 136-156): PSTIAVVGAT[Gly146Asp]SGVSTAVANL

ClinVar aggregate classification (germline): Uncertain significance (1 of 4 stars; one submission).

Conditions:
Autosomal dominant hypocalcemia 1 (HYPOC1). Also called: HYPOCALCEMIA, FAMILIAL. Identifiers: MedGen C3715128, MONDO:0011013, OMIM 601198.
Familial hypocalciuric hypercalcemia (FHH). Also called: Familial benign hypercalcemia. Identifiers: Orphanet 405, MedGen C1809471, MONDO:0018458.

Submission:

Labcorp Genetics (formerly Invitae), Labcorp
Classification: Uncertain significance for Familial hypocalciuric hypercalcemia; Autosomal dominant hypocalcemia 1. Last evaluated: 2020-11-26. Review status: criteria provided, single submitter. Criteria: Invitae Variant Classification Sherloc (09022015). Collection method: clinical testing. Allele origin: germline.
Comment: This sequence change replaces glycine with aspartic acid at codon 146 of the CASR protein (p.Gly146Asp). The glycine residue is highly conserved and there is a moderate physicochemical difference between glycine and aspartic acid. This variant is not present in population databases (ExAC no frequency). This variant has been observed in individual(s) with familial hypocalciuric hypercalcemia (PMID: 30895164). Algorithms developed to predict the effect of missense changes on protein structure and function (SIFT, PolyPhen-2, Align-GVGD) all suggest that this variant is likely to be disruptive, but these predictions have not been confirmed by published functional studies and their clinical significance is uncertain. In summary, the available evidence is currently insufficient to determine the role of this variant in disease. Therefore, it has been classified as a Variant of Uncertain Significance.

Literature cited by the submitters: PubMed 30895164.